The following continues an entry in ClinVar:

NM_002074.5(GNB1):c.233A>G (p.Lys78Arg)

Gene: GNB1. ClinVar aggregate classification (germline): Pathogenic/Likely pathogenic. Pathogenic (12); Likely pathogenic (1).

Submissions 13 to 18 of 18:

Ambry Genetics
Classification: Likely pathogenic for Inborn genetic diseases. Last evaluated: 2018-06-13. Review status: criteria provided, single submitter. Criteria: Ambry exome assertion method (8-5-2015). Collection method: clinical testing. Allele origin: germline. Affected: yes. Observed: 1 variant allele.

OMIM
Classification: Pathogenic for INTELLECTUAL DEVELOPMENTAL DISORDER, AUTOSOMAL DOMINANT 42. Last evaluated: 2021-11-02. Review status: no assertion criteria provided. Collection method: literature only. Allele origin: germline. Not counted in ClinVar's aggregate classification.

Clinical Genomics Laboratory, Stanford Medicine
Classification: Likely pathogenic for Intellectual developmental disorder, autosomal dominant 42. Last evaluated: 2019-10-07. Review status: no assertion criteria provided. Collection method: clinical testing. Allele origin: germline. Inheritance: Autosomal dominant inheritance. Affected: yes. Not counted in ClinVar's aggregate classification.
Comment: The p.Lys78Arg variant in the GNB1 gene has been previously reported de novo in 2 individuals with features consistent with GNB1-associated neurodevelopmental disorder (Petrovski et al., 2016; Hemati et al., 2018). This variant was absent from large population databases, including the Genome Aggregation Database. The p.Lys78Arg variant is located in a mutational hotspot of GNB1; other pathogenic and likely pathogenic variants have been described at amino acid positions 76-80 and disrupt the binding of GNB1 to other subunits. The GNB1 gene has fewer missense variants in the general population than expected. A low rate of missense variation may suggest that this gene is intolerant to missense variation. These data were assessed using the ACMG/AMP variant interpretation guidelines. In summary, there is sufficient evidence to classify the p.Lys78Arg variant as likely pathogenic for autosomal dominant GNB1-associated neurodevelopmental disorder, based on the information above. [ACMG evidence codes used: PS2_Moderate; PM1; PM2; PP2]

University of Washington Center for Mendelian Genomics, University of Washington
Classification: Likely pathogenic for Neurodevelopmental Disability; Hypotonia; Seizures. Last evaluated: 2016-05-05. Review status: no assertion criteria provided. Collection method: research. Allele origin: unknown. Affected: yes. Observed: 1 heterozygote. Not counted in ClinVar's aggregate classification.

Genomics And Bioinformatics Analysis Resource, Columbia University
Classification: Pathogenic for Global developmental delay; Hypotonia; Seizure; Growth delay; Feeding difficulties; Strabismus; Floppy infant; EEG with generalized epileptiform discharges. Last evaluated: 2016-02-10. Review status: no assertion criteria provided. Collection method: research. Allele origin: de novo. Affected: yes. Observed: 1 variant allele. Not counted in ClinVar's aggregate classification.

GeneReviews
No classification provided. Condition: Intellectual developmental disorder, autosomal dominant 42. Review status: no classification provided. Collection method: literature only. Allele origin: germline. Not counted in ClinVar's aggregate classification.

Literature cited by the submitters: PubMed 27108799 (cited by 10 submitters); PubMed 30194818 (cited by 4 submitters); PubMed 35253369 (cited by 3 submitters); PubMed 37275776 (cited by Variantyx, Inc.); PubMed 36405774 (cited by 3 submitters); PubMed 32134617 (cited by GeneReviews).